The following is an entry in ClinVar:

NM_001364905.1(LRBA):c.8142_8145dup (p.Asn2716fs)

Gene: LRBA (LPS responsive beige-like anchor protein; minus strand). Cytogenetic location: 4q31.3.
Variant type: Duplication.
Coding change: c.8142_8145dup on transcript NM_001364905.1 (MANE Select); coding-DNA positions 8142 to 8145, 4 bases duplicated (CATG; older notation c.8142_8145dupCATG).
Protein change: p.Asn2716fs; shifts the reading frame from asparagine 2716.
Molecular consequence: frameshift variant.
Genome position (GRCh38, 1-based): chr4:150,282,621-150,282,624, CATG duplicated on the plus strand (CATG on the coding strand, the reverse complement: LRBA is on the minus strand). VCF-style (leftmost placement, unchanged base first): chr4-150282620-T-TCATG. GRCh37 (hg19) VCF-style: chr4-151203772-T-TCATG.
Other names: c.8139_8142dup, p.Asn2715Hisfs (NM_001199282.3); c.8157_8160dup, p.Asn2721fs (NM_001367550.1); c.8175_8178dup, p.Asn2727Hisfs (NM_006726.5); short protein forms N2727fs, N2715fs, N2716fs, N2721fs.
Identifiers: ClinVar variation 804448 (VCV000804448.41), dbSNP rs1264504989, ClinGen allele CA555970206.

ClinVar aggregate classification (germline): Pathogenic/Likely pathogenic. Review status: criteria provided, multiple submitters, no conflicts (2 of 4 stars). 3 submissions from 3 submitters: Pathogenic (2); Likely pathogenic (1). Last evaluated 2024-08-13.

Conditions:
Combined immunodeficiency due to LRBA deficiency. Also called: Common variable immunodeficiency 8, with autoimmunity. Identifiers: Orphanet 445018, MedGen C3553512, MONDO:0013863, OMIM 614700.

Allele frequency attached by ClinVar (database versions not stated): gnomAD exomes below 0.00001.

Submissions (3):

3billion
Classification: Pathogenic for Combined immunodeficiency due to LRBA deficiency. Last evaluated: 2024-08-13. Review status: criteria provided, single submitter. Criteria: ACMG Guidelines, 2015. Collection method: clinical testing. Allele origin: germline. Affected: yes.
Comment: The variant is observed at an extremely low frequency in the gnomAD v4.0.0 dataset (total allele frequency: <0.001%). Predicted Consequence/Location: Frameshift: predicted to result in a loss or disruption of normal protein function through nonsense-mediated decay (NMD) or protein truncation. Multiple pathogenic variants are reported downstream of the variant. The variant has been reported at least twice as pathogenic without evidence for the classification (ClinVar ID: VCV000804448 /PMID: 25931386). Therefore, this variant is classified as Pathogenic according to the recommendation of ACMG/AMP guideline.

CeGaT Center for Human Genetics Tuebingen
Classification: Pathogenic. Last evaluated: 2020-07-01. Review status: criteria provided, single submitter. Criteria: CeGaT Center For Human Genetics Tuebingen Variant Classification Criteria Version 2. Collection method: clinical testing. Allele origin: germline. Affected: yes. Observed: 2 variant alleles.

Hadassah Hebrew University Medical Center
Classification: Likely pathogenic for Combined immunodeficiency due to LRBA deficiency. Last evaluated: 2019-06-20. Review status: criteria provided, single submitter. Criteria: ACMG Guidelines, 2015. Collection method: clinical testing. Allele origin: germline. Inheritance: Autosomal recessive inheritance. Affected: yes.

Literature cited by the submitters: PubMed 25931386 (cited by 3billion).